The following is an entry in ClinVar:

NM_001379081.2(FREM1):c.620del (p.Phe207fs)

Gene: FREM1 (FRAS1 related extracellular matrix 1; minus strand). Cytogenetic location: 9p22.3.
Variant type: Deletion.
Coding change: c.620del on transcript NM_001379081.2 (MANE Select); coding-DNA position 620, one base deleted (T; older notation c.620delT).
Protein change: p.Phe207fs; shifts the reading frame from phenylalanine 207.
Molecular consequence: frameshift variant. On other transcripts: non-coding transcript variant (4).
Genome position (GRCh38, 1-based): chr9:14,859,194, A deleted on the plus strand (T on the coding strand, the reverse complement: FREM1 is on the minus strand); the first of 6 consecutive A bases (chr9:14,859,194-14,859,199); deleting any one gives the same sequence. VCF-style (leftmost placement, unchanged base first): chr9-14859193-GA-G. GRCh37 (hg19) VCF-style: chr9-14859191-GA-G.
Other names: c.620del, p.Phe207fs (NM_001370060.1, NM_001370063.1, NM_001370065.1 and 1 more transcripts); short protein forms F207fs.
Identifiers: ClinVar variation 4292310 (VCV004292310.1).
Genomic context (GRCh38, chr9:14,859,193, plus strand): 5'-ATTTTTGTCAGTTTTGGTAATACCCAGAAAGGCATTAAAAGACATCATACGGGACTCTGG[GA>G]AAAAACTGTGTGGCTGATCTCCACGAGGTTCTTCTGGTCGAGGCTCCCCGAGAACCATCT-3'

ClinVar aggregate classification (germline): Likely pathogenic (1 of 4 stars; one submission).

Conditions:
FREM1-related disorder. Also called: FREM1-Related Disorders; FREM1-related condition.

Submission:

3billion
Classification: Likely pathogenic for FREM1-related disorder. Last evaluated: 2025-02-26. Review status: criteria provided, single submitter. Criteria: ACMG Guidelines, 2015. Collection method: clinical testing. Allele origin: germline. Affected: yes.
Comment: The variant is not observed in the gnomAD v4.1.0 dataset. Predicted Consequence/Location: Frameshift: predicted to result in a loss or disruption of normal protein function through nonsense-mediated decay (NMD) or protein truncation. Multiple pathogenic variants are reported downstream of the variant. Therefore, this variant is classified as Likely pathogenic according to the recommendation of ACMG/AMP guideline.